The following is an entry in ClinVar:

NM_017491.5(WDR1):c.1199G>A (p.Gly400Glu)

Gene: WDR1 (WD repeat domain 1; minus strand). Cytogenetic location: 4p16.1.
Variant type: single nucleotide variant.
Coding change: c.1199G>A on transcript NM_017491.5 (MANE Select); coding-DNA position 1199, G replaced by A.
Protein change: p.Gly400Glu; replaces glycine 400 with glutamic acid.
Molecular consequence: missense variant.
Genome position (GRCh38, 1-based): chr4:10,081,442, C>T on the plus strand (G>A on the coding strand, the complement: WDR1 is on the minus strand). VCF-style: chr4-10081442-C-T. GRCh37 (hg19) VCF-style: chr4-10083066-C-T.
Other names: c.779G>A, p.Gly260Glu (NM_005112.5); short protein forms G400E, G260E.
Identifiers: ClinVar variation 2118520 (VCV002118520.4), dbSNP rs1308676371, ClinGen allele CA356358674.

ClinVar aggregate classification (germline): Uncertain significance (1 of 4 stars; one submission).

Allele frequency attached by ClinVar (database versions not stated): gnomAD exomes below 0.00001; TOPMed 0.00001.
gnomAD v4.1: 1 of 1,613,782 alleles (0.000062%); highest among the groups gnomAD compares: East Asian, 0.0022%; no homozygotes.

Submission:

Labcorp Genetics (formerly Invitae), Labcorp
Classification: Uncertain significance. Last evaluated: 2022-08-21. Review status: criteria provided, single submitter. Criteria: Invitae Variant Classification Sherloc (09022015). Collection method: clinical testing. Allele origin: germline.
Comment: This variant has not been reported in the literature in individuals affected with WDR1-related conditions. This sequence change replaces glycine, which is neutral and non-polar, with glutamic acid, which is acidic and polar, at codon 400 of the WDR1 protein (p.Gly400Glu). This variant is not present in population databases (gnomAD no frequency). Algorithms developed to predict the effect of missense changes on protein structure and function (SIFT, PolyPhen-2, Align-GVGD) all suggest that this variant is likely to be tolerated. In summary, the available evidence is currently insufficient to determine the role of this variant in disease. Therefore, it has been classified as a Variant of Uncertain Significance.